The following is an entry in ClinVar:

ClinVar aggregate classification (germline): Uncertain significance (1 of 4 stars; one submission).

Conditions:
Early-infantile DEE. Also called: Early infantile epileptic encephalopathy; Ohtahara syndrome; Early infantile epileptic encephalopathy with suppression bursts. Identifiers: Orphanet 1934, MedGen C0393706, MONDO:0800491.

Submission:

Labcorp Genetics (formerly Invitae), Labcorp
Classification: Uncertain significance for Early-infantile DEE. Last evaluated: 2024-02-22. Review status: criteria provided, single submitter. Criteria: Invitae Variant Classification Sherloc (09022015). Collection method: clinical testing. Allele origin: germline.
Comment: This sequence change falls in intron 8 of the KCNQ2 gene. It does not directly change the encoded amino acid sequence of the KCNQ2 protein. This variant is not present in population databases (gnomAD no frequency). This variant has not been reported in the literature in individuals affected with KCNQ2-related conditions. Algorithms developed to predict the effect of sequence changes on RNA splicing suggest that this variant may disrupt the consensus splice site. In summary, the available evidence is currently insufficient to determine the role of this variant in disease. Therefore, it has been classified as a Variant of Uncertain Significance.

NM_172107.4(KCNQ2):c.1119-18T>A

Gene: KCNQ2 (potassium voltage-gated channel subfamily Q member 2; minus strand). Cytogenetic location: 20q13.33.
Variant type: single nucleotide variant.
Coding change: c.1119-18T>A on transcript NM_172107.4 (MANE Select); 18 bases into the intron before coding-DNA position 1119, T replaced by A.
Molecular consequence: intron variant.
Genome position (GRCh38, 1-based): chr20:63,431,387, A>T on the plus strand (T>A on the coding strand, the complement: KCNQ2 is on the minus strand). VCF-style: chr20-63431387-A-T. GRCh37 (hg19) VCF-style: chr20-62062740-A-T.
Other names: c.1119-18T>A (NM_001382235.1, NM_172108.5, NM_172106.3); c.1118+2422T>A (NM_004518.6).
Identifiers: ClinVar variation 3639638 (VCV003639638.2).